The following is an entry in ClinVar:

NM_002454.3(MTRR):c.1693C>A (p.Gln565Lys)

Gene: MTRR (5-methyltetrahydrofolate-homocysteine methyltransferase reductase; plus strand). Cytogenetic location: 5p15.31.
Variant type: single nucleotide variant.
Coding change: c.1693C>A on transcript NM_002454.3 (MANE Select); coding-DNA position 1693, C replaced by A.
Protein change: p.Gln565Lys; replaces glutamine 565 with lysine.
Molecular consequence: missense variant. On other transcripts: non-coding transcript variant (14).
Genome position (GRCh38, 1-based): chr5:7,896,880, C>A. VCF-style: chr5-7896880-C-A. GRCh37 (hg19) VCF-style: chr5-7896993-C-A.
Other names: c.1693C>A (NM_002454.2); c.1693C>A, p.Gln565Lys (NM_001364440.2, NM_001364441.2, NM_001364442.2 and 1 more transcripts); short protein forms Q565K.
Identifiers: ClinVar variation 3703088 (VCV003703088.3).

ClinVar aggregate classification (germline): Uncertain significance. Review status: criteria provided, multiple submitters, no conflicts (2 of 4 stars). 2 submissions from 2 submitters: Uncertain significance (2). Last evaluated 2025-07-25.

Conditions:
Inborn genetic diseases. Identifiers: MedGen C0950123, MeSH D030342.
Methylcobalamin deficiency type cblE (HMAE). Also called: HOMOCYSTINURIA-MEGALOBLASTIC ANEMIA, cblE TYPE; VITAMIN B12-RESPONSIVE HOMOCYSTINURIA, cblE TYPE; HOMOCYSTINURIA-MEGALOBLASTIC ANEMIA, cblE COMPLEMENTATION TYPE. Identifiers: Orphanet 2169, Orphanet 622, MedGen C1856057, MONDO:0009354, OMIM 236270.

gnomAD v4.1: 1 of 1,613,742 alleles (0.000062%); no homozygotes.

Submissions (2):

Ambry Genetics
Classification: Uncertain significance for Inborn genetic diseases. Last evaluated: 2025-07-25. Review status: criteria provided, single submitter. Criteria: Ambry Variant Classification Scheme 2023. Collection method: clinical testing. Allele origin: germline.

Labcorp Genetics (formerly Invitae), Labcorp
Classification: Uncertain significance for Methylcobalamin deficiency type cblE. Last evaluated: 2024-02-11. Review status: criteria provided, single submitter. Criteria: Invitae Variant Classification Sherloc (09022015). Collection method: clinical testing. Allele origin: germline.
Comment: This sequence change replaces glutamine, which is neutral and polar, with lysine, which is basic and polar, at codon 565 of the MTRR protein (p.Gln565Lys). This variant is present in population databases (no rsID available, gnomAD no frequency). This variant has not been reported in the literature in individuals affected with MTRR-related conditions. An algorithm developed to predict the effect of missense changes on protein structure and function (PolyPhen-2) suggests that this variant is likely to be tolerated. In summary, the available evidence is currently insufficient to determine the role of this variant in disease. Therefore, it has been classified as a Variant of Uncertain Significance.